The following is an entry in ClinVar:

ClinVar aggregate classification (germline): Uncertain significance (1 of 4 stars; one submission).

Submission:

CeGaT Center for Human Genetics Tuebingen
Classification: Uncertain significance. Last evaluated: 2023-01-01. Review status: criteria provided, single submitter. Criteria: CeGaT Center For Human Genetics Tuebingen Variant Classification Criteria Version 2. Collection method: clinical testing. Allele origin: germline. Affected: yes. Observed: 1 variant allele.
Comment: CACNA1I: PM2, PP2, PP3

NM_021096.4(CACNA1I):c.4765G>A (p.Val1589Ile)

Gene: CACNA1I (calcium voltage-gated channel subunit alpha1 I; plus strand). Cytogenetic location: 22q13.1.
Variant type: single nucleotide variant.
Coding change: c.4765G>A on transcript NM_021096.4 (MANE Select); coding-DNA position 4765, G replaced by A.
Protein change: p.Val1589Ile; replaces valine 1589 with isoleucine.
Molecular consequence: missense variant.
Genome position (GRCh38, 1-based): chr22:39,673,064, G>A. VCF-style: chr22-39673064-G-A. GRCh37 (hg19) VCF-style: chr22-40069069-G-A.
Other names: c.4660G>A, p.Val1554Ile (NM_001003406.2); short protein forms V1554I, V1589I.
Identifiers: ClinVar variation 2498908 (VCV002498908.28), dbSNP rs2518187818, ClinGen allele CA411629805.